The following is an entry in ClinVar:

ClinVar aggregate classification (germline): Uncertain significance (1 of 4 stars; one submission).

Allele frequency attached by ClinVar (database versions not stated): gnomAD exomes 0.00001.
gnomAD v4.1: 6 of 1,613,600 alleles (0.00037%); highest among the groups gnomAD compares: Non-Finnish European, 0.00051%; no homozygotes.

Submission:

Labcorp Genetics (formerly Invitae), Labcorp
Classification: Uncertain significance. Last evaluated: 2021-10-10. Review status: criteria provided, single submitter. Criteria: Invitae Variant Classification Sherloc (09022015). Collection method: clinical testing. Allele origin: germline.
Comment: This sequence change replaces cysteine with tyrosine at codon 182 of the LRAT protein (p.Cys182Tyr). The cysteine residue is moderately conserved and there is a large physicochemical difference between cysteine and tyrosine. This variant is not present in population databases (ExAC no frequency). This variant has not been reported in the literature in individuals affected with LRAT-related conditions. Algorithms developed to predict the effect of missense changes on protein structure and function output the following: SIFT: "Tolerated"; PolyPhen-2: "Benign"; Align-GVGD: "Class C0". The tyrosine amino acid residue is found in multiple mammalian species, which suggests that this missense change does not adversely affect protein function. In summary, the available evidence is currently insufficient to determine the role of this variant in disease. Therefore, it has been classified as a Variant of Uncertain Significance.

NM_004744.5(LRAT):c.545G>A (p.Cys182Tyr)

Gene: LRAT (lecithin retinol acyltransferase; plus strand). Cytogenetic location: 4q32.1.
Variant type: single nucleotide variant.
Coding change: c.545G>A on transcript NM_004744.5 (MANE Select); coding-DNA position 545, G replaced by A.
Protein change: p.Cys182Tyr; replaces cysteine 182 with tyrosine.
Molecular consequence: missense variant.
Genome position (GRCh38, 1-based): chr4:154,748,988, G>A. VCF-style: chr4-154748988-G-A. GRCh37 (hg19) VCF-style: chr4-155670140-G-A.
Other names: c.545G>A, p.Cys182Tyr (NM_001301645.2); short protein forms C182Y.
Identifiers: ClinVar variation 1475512 (VCV001475512.6), dbSNP rs2111038135, ClinGen allele CA358630936.